The following is an entry in ClinVar:

NM_001004356.3(FGFRL1):c.233G>A (p.Arg78His)

Gene: FGFRL1 (fibroblast growth factor receptor like 1; plus strand). Cytogenetic location: 4p16.3.
Variant type: single nucleotide variant.
Coding change: c.233G>A on transcript NM_001004356.3 (MANE Select); coding-DNA position 233, G replaced by A.
Protein change: p.Arg78His; replaces arginine 78 with histidine.
Molecular consequence: missense variant.
Genome position (GRCh38, 1-based): chr4:1,022,356, G>A. VCF-style: chr4-1022356-G-A. GRCh37 (hg19) VCF-style: chr4-1016144-G-A.
Other names: c.233G>A, p.Arg78His (NM_001004358.1, NM_001370296.1, NM_021923.3); short protein forms R78H.
Identifiers: ClinVar variation 1920102 (VCV001920102.5), dbSNP rs763867368, ClinGen allele CA2802616.

ClinVar aggregate classification (germline): Uncertain significance (1 of 4 stars; one submission).

Allele frequency attached by ClinVar (database versions not stated): gnomAD exomes 0.00001; ExAC 0.00003.
gnomAD v4.1: 9 of 1,608,116 alleles (0.00056%); highest among the groups gnomAD compares: South Asian, 0.0022%; no homozygotes.

Submission:

Labcorp Genetics (formerly Invitae), Labcorp
Classification: Uncertain significance. Last evaluated: 2025-12-20. Review status: criteria provided, single submitter. Criteria: Invitae Variant Classification Sherloc (09022015). Collection method: clinical testing. Allele origin: germline.
Comment: This sequence change replaces arginine, which is basic and polar, with histidine, which is basic and polar, at codon 78 of the FGFRL1 protein (p.Arg78His). This variant is present in population databases (rs763867368, gnomAD 0.003%). This variant has not been reported in the literature in individuals affected with FGFRL1-related conditions. ClinVar contains an entry for this variant (Variation ID: 1920102). An algorithm developed to predict the effect of missense changes on protein structure and function (PolyPhen-2) suggests that this variant is likely to be disruptive. In summary, the available evidence is currently insufficient to determine the role of this variant in disease. Therefore, it has been classified as a Variant of Uncertain Significance.